The following is an entry in ClinVar:

NM_020247.5(COQ8A):c.1671C>T (p.Asp557=)

Gene: COQ8A (coenzyme Q8A; plus strand). Cytogenetic location: 1q42.13.
Variant type: single nucleotide variant.
Coding change: c.1671C>T on transcript NM_020247.5 (MANE Select); coding-DNA position 1671, C replaced by T.
Protein change: p.Asp557=; no amino-acid change (aspartic acid 557 retained).
Molecular consequence: synonymous variant.
Genome position (GRCh38, 1-based): chr1:226,986,464, C>T. VCF-style: chr1-226986464-C-T. GRCh37 (hg19) VCF-style: chr1-227174165-C-T.
Identifiers: ClinVar variation 1237171 (VCV001237171.12), dbSNP rs370899166, ClinGen allele CA1425630.

ClinVar aggregate classification (germline): Benign/Likely benign. Review status: criteria provided, multiple submitters, no conflicts (2 of 4 stars). 3 submissions from 3 submitters: Benign (1); Likely benign (2). Last evaluated 2025-10-21.

Allele frequency attached by ClinVar (database versions not stated): ESP Exome Variant Server 0.00008.
gnomAD v4.1: 186 of 1,612,546 alleles (0.012%); highest among the groups gnomAD compares: Non-Finnish European, 0.015%; 1 homozygote.

Submissions (3):

Labcorp Genetics (formerly Invitae), Labcorp
Classification: Benign. Last evaluated: 2025-10-21. Review status: criteria provided, single submitter. Criteria: Invitae Variant Classification Sherloc (09022015). Collection method: clinical testing. Allele origin: germline.

Athena Diagnostics
Classification: Likely benign. Last evaluated: 2025-01-21. Review status: criteria provided, single submitter. Criteria: Athena Diagnostics Criteria. Collection method: clinical testing. Allele origin: unknown.
Comment: Computational tools yielded predictions that this variant is unlikely to have an effect on normal RNA splicing. This nucleotide position exhibits low evolutionary conservation.

GeneDx
Classification: Likely benign. Last evaluated: 2020-07-06. Review status: criteria provided, single submitter. Criteria: GeneDx Variant Classification Process June 2021. Collection method: clinical testing. Allele origin: germline. Affected: yes.